The following is an entry in ClinVar:

NM_006019.4(TCIRG1):c.602dup (p.Glu202fs)

Gene: TCIRG1 (T cell immune regulator 1, ATPase H+ transporting V0 subunit a3; plus strand). Cytogenetic location: 11q13.2.
Variant type: Duplication.
Coding change: c.602dup on transcript NM_006019.4 (MANE Select); coding-DNA position 602, one base duplicated (T; older notation c.602dupT).
Protein change: p.Glu202fs; shifts the reading frame from glutamic acid 202.
Molecular consequence: frameshift variant. On other transcripts: 5 prime UTR variant (2).
Genome position (GRCh38, 1-based): chr11:68,043,469, T duplicated. VCF-style (leftmost placement, unchanged base first): chr11-68043468-C-CT. GRCh37 (hg19) VCF-style: chr11-67810935-C-CT.
Other names: c.-309dup (NM_001351059.2); c.-47dup (NM_006053.4); short protein forms E202fs.
Identifiers: ClinVar variation 2769215 (VCV002769215.3), dbSNP rs2495620772, ClinGen allele CA2697548731.
Genomic context (GRCh38, chr11:68,043,468, plus strand): 5'-GCCCTAGAGCGCCTGCTCTGGAGGGCCTGCCGCGGCTTCCTCATTGCCAGCTTCAGGGAG[C>CT]TGGAGCAGCCGCTGGAGCACCCCGTGACGGTGAGCAGCTGGCGCTGGGCTGGGGGGTCCT-3'

ClinVar aggregate classification (germline): Pathogenic (1 of 4 stars; one submission).

Submission:

Labcorp Genetics (formerly Invitae), Labcorp
Classification: Pathogenic. Last evaluated: 2024-11-18. Review status: criteria provided, single submitter. Criteria: Invitae Variant Classification Sherloc (09022015). Collection method: clinical testing. Allele origin: germline.
Comment: This sequence change creates a premature translational stop signal (p.Glu202Glyfs*25) in the TCIRG1 gene. It is expected to result in an absent or disrupted protein product. Loss-of-function variants in TCIRG1 are known to be pathogenic (PMID: 10888887, 10942435, 11532986, 19448635). This variant is not present in population databases (gnomAD no frequency). This variant has not been reported in the literature in individuals affected with TCIRG1-related conditions. ClinVar contains an entry for this variant (Variation ID: 2769215). Algorithms developed to predict the effect of sequence changes on RNA splicing suggest that this variant may disrupt the consensus splice site. For these reasons, this variant has been classified as Pathogenic.

Literature cited by the submitters: PubMed 10888887; PubMed 10942435; PubMed 11532986; PubMed 19448635.